The following is an entry in ClinVar:

ClinVar aggregate classification (germline): Pathogenic (1 of 4 stars; one submission).

Submission:

Clinical Genomics Laboratory, Laboratory for Precision Diagnostics, University of Washington
Classification: Pathogenic. Last evaluated: 2021-06-28. Review status: criteria provided, single submitter. Criteria: ACMG/ClinGen CNV Guidelines, 2019. Collection method: clinical testing. Allele origin: unknown. Affected: yes. Observed: 1 variant allele.
Comment: A pathogenic terminal deletion of chromosome 11 from band q24.1 was detected, which causes Jacobsen syndrome.

Literature cited by the submitters: PubMed 31895838; PubMed 26285164; PubMed 15266616; PubMed 7887422.

GRCh38/hg38 11q24.1-25(chr11:123345328-135064169)x1

Genes: ACAD8 (acyl-CoA dehydrogenase family member 8; plus strand), ACRV1 (acrosomal vesicle protein 1; minus strand), ADAMTS15 (ADAM metallopeptidase with thrombospondin type 1 motif 15; plus strand), ADAMTS8 (ADAM metallopeptidase with thrombospondin type 1 motif 8; minus strand), APLP2 (amyloid beta precursor like protein 2; plus strand) and 398 more. Cytogenetic location: 11q24.1-25.
Variant type: copy number loss.
Change: copy number 1 (one copy instead of two) of chr11:123,345,328-135,064,169 (11.72 Mb, GRCh38 coordinates, 1-based), cytogenetic band 11q24.1-25.
Identifiers: ClinVar variation 4755346 (VCV004755346.1).